The following is an entry in ClinVar:

ClinVar aggregate classification (germline): Uncertain significance (1 of 4 stars; one submission).

Submission:

GeneDx
Classification: Uncertain significance. Last evaluated: 2025-10-30. Review status: criteria provided, single submitter. Criteria: GeneDx Variant Classification Process June 2021. Collection method: clinical testing. Allele origin: germline. Affected: yes.
Comment: Not observed at significant frequency in large population cohorts (gnomAD); Nonsense variant predicted to result in protein truncation as the last 23 amino acid(s) are lost; Has not been previously published as pathogenic or benign to our knowledge

NM_005859.5(PURA):c.898C>T (p.Gln300Ter)

Gene: PURA (purine rich element binding protein A; plus strand). Cytogenetic location: 5q31.3.
Variant type: single nucleotide variant.
Coding change: c.898C>T on transcript NM_005859.5 (MANE Select); coding-DNA position 898, C replaced by T.
Protein change: p.Gln300Ter; replaces glutamine 300 with a stop codon.
Molecular consequence: nonsense.
Genome position (GRCh38, 1-based): chr5:140,115,079, C>T. VCF-style: chr5-140115079-C-T. GRCh37 (hg19) VCF-style: chr5-139494664-C-T.
Other names: short protein forms Q300*.
Identifiers: ClinVar variation 2442746 (VCV002442746.3), dbSNP rs138032752, ClinGen allele CA361491810.